The following is an entry in ClinVar:

NM_001364171.2(ODAD1):c.278T>G (p.Met93Arg)

Gene: ODAD1 (outer dynein arm docking complex subunit 1; minus strand). Cytogenetic location: 19q13.33.
Variant type: single nucleotide variant.
Coding change: c.278T>G on transcript NM_001364171.2 (MANE Select); coding-DNA position 278, T replaced by G.
Protein change: p.Met93Arg; replaces methionine 93 with arginine.
Molecular consequence: missense variant.
Genome position (GRCh38, 1-based): chr19:48,318,469, A>C on the plus strand (T>G on the coding strand, the complement: ODAD1 is on the minus strand). VCF-style: chr19-48318469-A-C. GRCh37 (hg19) VCF-style: chr19-48821726-A-C.
Other names: c.167T>G, p.Met56Arg (NM_144577.4); short protein forms M56R, M93R.
Identifiers: ClinVar variation 972079 (VCV000972079.10), dbSNP rs960251356, ClinGen allele CA309317496.
Genomic context (GRCh38, chr19:48,318,469, plus strand): 5'-TGCTCCTGCAGCTCCTCGATCTCCGCCTGCACCTGGGCCCGGCCCTTCAGCAGGCGGTCC[A>C]TGTTCTCCAGCCGCTGACTGTCCCGAAGCCGCTTGACCTGGTTCTGGGCTGCGCTGATCT-3'
Protein context (NP_001351100.1, residues 83-103): RLRDSQRLEN[Met93Arg]DRLLKGRAQV

ClinVar aggregate classification (germline): Uncertain significance. Review status: criteria provided, multiple submitters, no conflicts (2 of 4 stars). 2 submissions from 2 submitters: Uncertain significance (2). Last evaluated 2025-08-08.

Conditions:
Primary ciliary dyskinesia. Also called: Ciliary dyskinesia. Identifiers: Orphanet 244, MedGen C0008780, MONDO:0016575, HP:0012265.

Allele frequency attached by ClinVar (database versions not stated): gnomAD exomes 0.00001; TOPMed 0.00002.
gnomAD v4.1: 8 of 1,551,504 alleles (0.00052%); highest among the groups gnomAD compares: Admixed American, 0.002%; no homozygotes.

Submissions (2):

Ambry Genetics
Classification: Uncertain significance for Primary ciliary dyskinesia. Last evaluated: 2025-08-08. Review status: criteria provided, single submitter. Criteria: Ambry Variant Classification Scheme 2023. Collection method: clinical testing. Allele origin: germline.

Labcorp Genetics (formerly Invitae), Labcorp
Classification: Uncertain significance for Primary ciliary dyskinesia. Last evaluated: 2019-10-30. Review status: criteria provided, single submitter. Criteria: Invitae Variant Classification Sherloc (09022015). Collection method: clinical testing. Allele origin: germline.
Comment: In summary, the available evidence is currently insufficient to determine the role of this variant in disease. Therefore, it has been classified as a Variant of Uncertain Significance. Algorithms developed to predict the effect of missense changes on protein structure and function are either unavailable or do not agree on the potential impact of this missense change (SIFT: "Deleterious"; PolyPhen-2: "Probably Damaging"; Align-GVGD: "Class C0"). This variant has not been reported in the literature in individuals with CCDC114-related conditions. This variant is not present in population databases (ExAC no frequency). This sequence change replaces methionine with arginine at codon 56 of the CCDC114 protein (p.Met56Arg). The methionine residue is moderately conserved and there is a moderate physicochemical difference between methionine and arginine.